The following is an entry in ClinVar:

ClinVar aggregate classification (germline): Conflicting classifications of pathogenicity. Review status: criteria provided, conflicting classifications (1 of 4 stars). 9 submissions from 9 submitters: Uncertain significance (6); Likely benign (1). 2 of the submissions do not count toward it. Last evaluated 2025-11-17.

Conditions:
Hereditary cancer-predisposing syndrome. Also called: Neoplastic Syndromes, Hereditary; Hereditary Cancer Syndrome; Tumor predisposition; Hereditary neoplastic syndrome. Identifiers: Orphanet 140162, MedGen C0027672, MeSH D009386, MONDO:0015356.
Familial cancer of breast. Also called: BREAST CANCER, FAMILIAL; hereditary breast carcinoma; Hereditary breast cancer. Identifiers: Orphanet 227535, MedGen C0346153, MONDO:0016419, OMIM 114480. Disease mechanism: loss of function.
Ataxia-telangiectasia syndrome (AT). Also called: Ataxia-telangiectasia, complementation group D; AT, COMPLEMENTATION GROUP C; Ataxia-telangiectasia; ATAXIA-TELANGIECTASIA, COMPLEMENTATION GROUP A; ATAXIA-TELANGIECTASIA, FRESNO VARIANT; Ataxia-telangiectasia, complementation group E. Identifiers: Orphanet 100, MedGen C0004135, MONDO:0008840, OMIM 208900.

Allele frequency attached by ClinVar (database versions not stated): gnomAD exomes below 0.00001; gnomAD 0.00004 and 0.00005; TOPMed 0.00004; ExAC 0.00001.
gnomAD v4.1: 13 of 1,614,012 alleles (0.00081%); highest among the groups gnomAD compares: African/African-American, 0.017%; no homozygotes.

Submissions (9):

Labcorp Genetics (formerly Invitae), Labcorp
Classification: Uncertain significance for Ataxia-telangiectasia syndrome. Last evaluated: 2025-11-17. Review status: criteria provided, single submitter. Criteria: Invitae Variant Classification Sherloc (09022015). Collection method: clinical testing. Allele origin: germline.
Comment: This sequence change replaces alanine, which is neutral and non-polar, with serine, which is neutral and polar, at codon 2054 of the ATM protein (p.Ala2054Ser). This variant is present in population databases (rs587779853, gnomAD 0.01%). This variant has not been reported in the literature in individuals affected with ATM-related conditions. ClinVar contains an entry for this variant (Variation ID: 127420). Invitae Evidence Modeling of protein sequence and biophysical properties (such as structural, functional, and spatial information, amino acid conservation, physicochemical variation, residue mobility, and thermodynamic stability) indicates that this missense variant is not expected to disrupt ATM protein function with a negative predictive value of 95%. In summary, the available evidence is currently insufficient to determine the role of this variant in disease. Therefore, it has been classified as a Variant of Uncertain Significance.

Women's Health and Genetics/Laboratory Corporation of America, LabCorp
Classification: Uncertain significance. Last evaluated: 2025-07-10. Review status: criteria provided, single submitter. Criteria: LabCorp Variant Classification Summary - May 2015. Collection method: clinical testing. Allele origin: germline.
Comment: Variant summary: ATM c.6160G>T (p.Ala2054Ser) results in a conservative amino acid change located in the FAT domain (IPR003151) of the encoded protein sequence. Algorithms developed to predict the effect of missense changes on protein structure and function all suggest that this variant is likely to be tolerated. The variant allele was found at a frequency of 4e-06 in 251376 control chromosomes. The available data on variant occurrences in the general population are insufficient to allow any conclusion about variant significance. To our knowledge, no occurrence of c.6160G>T in individuals affected with Ataxia-telangiectasia syndrome or ATM-related cancers and no experimental evidence demonstrating its impact on protein function have been reported. ClinVar contains an entry for this variant (Variation ID: 127420). Based on the evidence outlined above, the variant was classified as uncertain significance.

Ambry Genetics
Classification: Likely benign for Hereditary cancer-predisposing syndrome. Last evaluated: 2025-03-02. Review status: criteria provided, single submitter. Criteria: Ambry Variant Classification Scheme 2023. Collection method: clinical testing. Allele origin: germline.

Baylor Genetics
Classification: Uncertain significance for Familial cancer of breast. Last evaluated: 2024-01-19. Review status: criteria provided, single submitter. Criteria: ACMG Guidelines, 2015. Collection method: clinical testing. Allele origin: unknown.

GeneDx
Classification: Uncertain significance. Last evaluated: 2023-10-18. Review status: criteria provided, single submitter. Criteria: GeneDx Variant Classification Process June 2021. Collection method: clinical testing. Allele origin: germline. Affected: yes.
Comment: Not observed at significant frequency in large population cohorts (gnomAD); In silico analysis supports that this missense variant does not alter protein structure/function; Has not been previously published as pathogenic or benign to our knowledge; This variant is associated with the following publications: (PMID: 23532176)

Sema4
Classification: Uncertain significance for Hereditary cancer-predisposing syndrome. Last evaluated: 2022-03-04. Review status: criteria provided, single submitter. Criteria: Sema4 Curation Guidelines. Collection method: curation. Allele origin: germline.
Comment: To the best of our knowledge, the ATM c.6160G>T (p.A2054S) variant has not been reported in individuals with ATM-related disease. It was observed in 3/24956 chromosomes of the African/African American subpopulation in the Genome Aggregation Database (PMID: 32461654). The variant has been reported in ClinVar (Variation ID: 127420). In silico tools suggest that the impact of the variant on protein function is benign, though these predictions have not been confirmed by functional studies. The evidence is insufficient to meet ACMG/AMP criteria for classifying the variant as benign or pathogenic. Thus, the clinical significance of this variant is currently uncertain.

Color Diagnostics, LLC DBA Color Health
Classification: Uncertain significance for Hereditary cancer-predisposing syndrome. Last evaluated: 2021-03-23. Review status: criteria provided, single submitter. Criteria: ACMG Guidelines, 2015. Collection method: clinical testing. Allele origin: germline.
Comment: This missense variant replaces alanine with serine at codon 2054 of the ATM protein. Computational prediction suggests that this variant may not impact protein structure and function (internally defined REVEL score threshold <= 0.5, PMID: 27666373). To our knowledge, functional studies have not been reported for this variant. This variant has not been reported in individuals affected with hereditary cancer in the literature. This variant has been identified in 3/282772 chromosomes in the general population by the Genome Aggregation Database (gnomAD). The available evidence is insufficient to determine the role of this variant in disease conclusively. Therefore, this variant is classified as a Variant of Uncertain Significance.

Natera, Inc.
Classification: Uncertain significance for Ataxia-telangiectasia. Last evaluated: 2021-02-12. Review status: no assertion criteria provided. Collection method: clinical testing. Allele origin: germline. Not counted in ClinVar's aggregate classification.

Department of Pathology and Laboratory Medicine, Sinai Health System
Classification: Uncertain significance. Review status: no assertion criteria provided. Collection method: clinical testing. Allele origin: unknown. Affected: yes. Study: The Canadian Open Genetics Repository (COGR). Not counted in ClinVar's aggregate classification.
Comment: The ATM p.Ala2054Ser variant was not identified in the literature nor was it identified in the LOVD 3.0 database. The variant was identified in dbSNP (ID: rs587779853) as â€šÃ„ÃºWith Uncertain significance alleleâ€šÃ„Ã¹ and ClinVar (classified as uncertain significance by GeneDx, Invitae and Ambry Genetics). The variant was identified in control databases in 3 of 277126 chromosomes at a frequency of 0.00001 (Genome Aggregation Database Feb 27, 2017). The variant was observed in the African population in 3 of 24024 chromosomes (freq: 0.0001), while it was not observed in the Other, Latino, European Non-Finnish, Ashkenazi Jewish, East Asian, European Finnish, or South Asian populations. The p.Ala2054 residue is not conserved in mammals and computational analyses (PolyPhen-2, SIFT, AlignGVGD, BLOSUM, MutationTaster) do not suggest a high likelihood the Ser variant impacts the protein; however, this information is not predictive enough to rule out pathogenicity. The variant occurs outside of the splicing consensus sequence and in silico or computational prediction software programs (SpliceSiteFinder, MaxEntScan, NNSPLICE, GeneSplicer) do not predict a difference in splicing. In summary, based on the above information, the clinical significance of this variant cannot be determined with certainty at this time. This variant is classified as a variant of uncertain significance.

NM_000051.4(ATM):c.6160G>T (p.Ala2054Ser)

Genes: ATM (ATM serine/threonine kinase; plus strand), C11orf65 (chromosome 11 open reading frame 65; minus strand). Cytogenetic location: 11q22.3.
Variant type: single nucleotide variant.
Coding change: c.6160G>T on transcript NM_000051.4 (MANE Select); coding-DNA position 6160, G replaced by T.
Protein change: p.Ala2054Ser; replaces alanine 2054 with serine.
Molecular consequence: missense variant. On other transcripts: intron variant (2).
Genome position (GRCh38, 1-based): chr11:108,316,075, G>T. VCF-style: chr11-108316075-G-T. GRCh37 (hg19) VCF-style: chr11-108186802-G-T.
Other names: p.A2054S:GCA>TCA; c.6160G>T, p.Ala2054Ser (NM_001351834.2); c.641-7004C>A (NM_001330368.2); c.*39-7004C>A (NM_001351110.2); short protein forms A2054S.
Identifiers: ClinVar variation 127420 (VCV000127420.37), dbSNP rs587779853, ClinGen allele CA286925.